The following is an entry in ClinVar:

ClinVar aggregate classification (germline): Benign. Review status: criteria provided, multiple submitters, no conflicts (2 of 4 stars). 2 submissions from 2 submitters: Benign (2). Last evaluated 2018-01-13.

Conditions:
Nail-patella syndrome (NPS). Also called: FONG DISEASE; ONYCHOOSTEODYSPLASIA; TURNER-KIESER SYNDROME. Identifiers: Orphanet 2614, MedGen C0027341, MONDO:0008061, OMIM 161200.

Allele frequency attached by ClinVar (database versions not stated): 1000 Genomes Project 0.87141; 1000 Genomes Project 30x 0.87742; TOPMed 0.90081; gnomAD 0.90514 and 0.90738; gnomAD exomes 0.92308.
gnomAD v4.1: 137,916 of 152,296 alleles (91%); highest among the groups gnomAD compares: Non-Finnish European, 94%; 62,648 homozygotes.

Submissions (2):

Illumina Laboratory Services, Illumina
Classification: Benign for Nail-patella syndrome. Last evaluated: 2018-01-13. Review status: criteria provided, single submitter. Criteria: ICSL Variant Classification Criteria 13 December 2019. Collection method: clinical testing. Allele origin: germline.
Comment: This variant was observed in the ICSL laboratory as part of a predisposition screen in an ostensibly healthy population. It had not been previously curated by ICSL or reported in the Human Gene Mutation Database (HGMD: prior to June 1st, 2018), and was therefore a candidate for classification through an automated scoring system. Utilizing variant allele frequency, disease prevalence and penetrance estimates, and inheritance mode, an automated score was calculated to assess if this variant is too frequent to cause the disease. Based on the score and internal cut-off values, a variant classified as benign is not then subjected to further curation. The score for this variant resulted in a classification of benign for this disease.

Breakthrough Genomics
Classification: Benign. Review status: criteria provided, single submitter. Criteria: ACMG Guidelines, 2015. Collection method: not provided. Allele origin: germline. Inheritance: Autosomal dominant inheritance. Affected: yes.

NM_001174147.2(LMX1B):c.*2393T>C

Gene: LMX1B (LIM homeobox transcription factor 1 beta; plus strand). Cytogenetic location: 9q33.3.
Variant type: single nucleotide variant.
Coding change: c.*2393T>C on transcript NM_001174147.2 (MANE Select); 2393 bases downstream of the stop codon, T replaced by C.
Molecular consequence: 3 prime UTR variant.
Genome position (GRCh38, 1-based): chr9:126,698,844, T>C. VCF-style: chr9-126698844-T-C. GRCh37 (hg19) VCF-style: chr9-129461123-T-C.
Other names: c.*2393T>C (NM_001174146.2, NM_002316.4).
Identifiers: ClinVar variation 364954 (VCV000364954.6), dbSNP rs10120414, ClinGen allele CA10632303.